The following is an entry in ClinVar:

NM_194277.3(FRMD7):c.691T>G (p.Leu231Val)

Gene: FRMD7 (FERM domain containing 7; minus strand). Cytogenetic location: Xq26.2.
Variant type: single nucleotide variant.
Coding change: c.691T>G on transcript NM_194277.3 (MANE Select); coding-DNA position 691, T replaced by G.
Protein change: p.Leu231Val; replaces leucine 231 with valine.
Molecular consequence: missense variant.
Genome position (GRCh38, 1-based): chrX:132,084,540, A>C on the plus strand (T>G on the coding strand, the complement: FRMD7 is on the minus strand). VCF-style: chrX-132084540-A-C. GRCh37 (hg19) VCF-style: chrX-131218568-A-C.
Other names: c.646T>G, p.Leu216Val (NM_001306193.2); short protein forms L231V, L216V.
Identifiers: ClinVar variation 29976 (VCV000029976.6), dbSNP rs387906720, ClinGen allele CA259720.

ClinVar aggregate classification (germline): Pathogenic. Review status: criteria provided, multiple submitters, no conflicts (2 of 4 stars). 3 submissions from 3 submitters: Pathogenic (2). 1 of the submissions does not count toward it. Last evaluated 2024-12-16.

Conditions:
FRMD7-related disorders.
Nystagmus 1, congenital, X-linked. Also called: NYSTAGMUS, INFANTILE PERIODIC ALTERNATING, X-LINKED; FRMD7-Related Infantile Nystagmus; NYSTAGMUS 1, INFANTILE, X-LINKED; NYSTAGMUS, CONGENITAL MOTOR, 1; NYSTAGMUS, INFANTILE IDIOPATHIC. Identifiers: MedGen C1839580, MONDO:0010693, OMIM 310700.

Allele frequency attached by ClinVar (database versions not stated): TOPMed below 0.00001; gnomAD 0.00001.
gnomAD v4.1: 1 of 1,187,230 alleles (0.000084%); highest among the groups gnomAD compares: Non-Finnish European, 0.00011%; no homozygotes.

Submissions (3):

Labcorp Genetics (formerly Invitae), Labcorp
Classification: Pathogenic. Last evaluated: 2024-12-16. Review status: criteria provided, single submitter. Criteria: Invitae Variant Classification Sherloc (09022015). Collection method: clinical testing. Allele origin: germline.
Comment: This sequence change replaces leucine, which is neutral and non-polar, with valine, which is neutral and non-polar, at codon 231 of the FRMD7 protein (p.Leu231Val). This variant is not present in population databases (gnomAD no frequency). This missense change has been observed in individual(s) with idiopathic infantile nystagmus (PMID: 17013395, 21303855). It has also been observed to segregate with disease in related individuals. ClinVar contains an entry for this variant (Variation ID: 29976). An algorithm developed to predict the effect of missense changes on protein structure and function (PolyPhen-2) suggests that this variant is likely to be disruptive. Algorithms developed to predict the effect of sequence changes on RNA splicing suggest that this variant may disrupt the consensus splice site. For these reasons, this variant has been classified as Pathogenic.

Blueprint Genetics
Classification: Pathogenic for FRMD7-related disorders. Last evaluated: 2024-11-20. Review status: criteria provided, single submitter. Criteria: ACMG Guidelines, 2015. Collection method: clinical testing. Allele origin: germline. Affected: yes. Observed: 5 variant alleles.

OMIM
Classification: Pathogenic for NYSTAGMUS 1, CONGENITAL, X-LINKED. Last evaluated: 2011-03-01. Review status: no assertion criteria provided. Collection method: literature only. Allele origin: germline. Not counted in ClinVar's aggregate classification.

Literature cited by the submitters: PubMed 17013395 (cited by Labcorp Genetics (formerly Invitae), Labcorp); PubMed 21303855 (cited by Labcorp Genetics (formerly Invitae), Labcorp and OMIM).